The following is an entry in ClinVar:

NM_001458.5(FLNC):c.4888G>A (p.Ala1630Thr)

Gene: FLNC (filamin C; plus strand). Cytogenetic location: 7q32.1.
Variant type: single nucleotide variant.
Coding change: c.4888G>A on transcript NM_001458.5 (MANE Select); coding-DNA position 4888, G replaced by A.
Protein change: p.Ala1630Thr; replaces alanine 1630 with threonine.
Molecular consequence: missense variant.
Genome position (GRCh38, 1-based): chr7:128,848,943, G>A. VCF-style: chr7-128848943-G-A. GRCh37 (hg19) VCF-style: chr7-128488997-G-A.
Other names: c.4888G>A, p.Ala1630Thr (NM_001127487.2); short protein forms A1630T.
Identifiers: ClinVar variation 1493720 (VCV001493720.5), dbSNP rs1479430297, ClinGen allele CA369203503.

ClinVar aggregate classification (germline): Uncertain significance (1 of 4 stars; one submission).

Conditions:
Myofibrillar myopathy 5. Also called: FILAMINOPATHY, AUTOSOMAL DOMINANT; Filaminopathy (type). Identifiers: Orphanet 171445, MedGen C1836050, MONDO:0012289, OMIM 609524.
Distal myopathy with posterior leg and anterior hand involvement. Also called: WILLIAMS DISTAL MYOPATHY. Identifiers: Orphanet 63273, MedGen C3279722, MONDO:0013550, OMIM 614065.
Hypertrophic cardiomyopathy 26. Also called: Cardiomyopathy, familial hypertrophic, 26. Identifiers: Orphanet 75249, MedGen C4310749, MONDO:0014883, OMIM 617047.
Dilated Cardiomyopathy, Dominant.

Allele frequency attached by ClinVar (database versions not stated): gnomAD exomes below 0.00001; gnomAD 0.00001; TOPMed 0.00001.
gnomAD v4.1: 4 of 1,613,318 alleles (0.00025%); highest among the groups gnomAD compares: Non-Finnish European, 0.00034%; no homozygotes.

Submission:

Labcorp Genetics (formerly Invitae), Labcorp
Classification: Uncertain significance for Distal myopathy with posterior leg and anterior hand involvement; Myofibrillar myopathy 5; Hypertrophic cardiomyopathy 26. Last evaluated: 2021-11-26. Review status: criteria provided, single submitter. Criteria: Invitae Variant Classification Sherloc (09022015). Collection method: clinical testing. Allele origin: germline.
Comment: In summary, the available evidence is currently insufficient to determine the role of this variant in disease. Therefore, it has been classified as a Variant of Uncertain Significance. Algorithms developed to predict the effect of missense changes on protein structure and function are either unavailable or do not agree on the potential impact of this missense change (SIFT: "Deleterious"; PolyPhen-2: "Possibly Damaging"; Align-GVGD: "Class C0"). This variant has not been reported in the literature in individuals affected with FLNC-related conditions. This variant is not present in population databases (gnomAD no frequency). This sequence change replaces alanine, which is neutral and non-polar, with threonine, which is neutral and polar, at codon 1630 of the FLNC protein (p.Ala1630Thr).